The following is an entry in ClinVar:

NM_004385.5(VCAN):c.10157G>A (p.Arg3386His)

Gene: VCAN (versican; plus strand). Cytogenetic location: 5q14.3.
Variant type: single nucleotide variant.
Coding change: c.10157G>A on transcript NM_004385.5 (MANE Select); coding-DNA position 10157, G replaced by A.
Protein change: p.Arg3386His; replaces arginine 3386 with histidine.
Molecular consequence: missense variant.
Genome position (GRCh38, 1-based): chr5:83,580,400, G>A. VCF-style: chr5-83580400-G-A. GRCh37 (hg19) VCF-style: chr5-82876219-G-A.
Other names: c.1934G>A, p.Arg645His (NM_001126336.3); c.7196G>A, p.Arg2399His (NM_001164097.2); c.4895G>A, p.Arg1632His (NM_001164098.2); short protein forms R3386H, R1632H, R2399H, R645H.
Identifiers: ClinVar variation 1474021 (VCV001474021.12), dbSNP rs370521277, ClinGen allele CA3334177.

ClinVar aggregate classification (germline): Uncertain significance. Review status: criteria provided, multiple submitters, no conflicts (2 of 4 stars). 4 submissions from 4 submitters: Uncertain significance (4). Last evaluated 2024-04-22.

Conditions:
Wagner disease. Also called: Wagner syndrome; WAGNER VITREORETINAL DEGENERATION; WAGNER SYNDROME 1; WAGNER VITREORETINOPATHY; HYALOIDEORETINAL DEGENERATION OF WAGNER; Wagner Vitreoretinal Degeneration (Wagner Synrdome). Identifiers: Orphanet 898, MedGen C1840452, MONDO:0007740, OMIM 143200.
Inborn genetic diseases. Identifiers: MedGen C0950123, MeSH D030342.

Allele frequency attached by ClinVar (database versions not stated): gnomAD exomes 0.00001; ESP Exome Variant Server 0.00008.
gnomAD v4.1: 7 of 1,613,810 alleles (0.00043%); highest among the groups gnomAD compares: African/African-American, 0.0013%; no homozygotes.

Submissions (4):

Labcorp Genetics (formerly Invitae), Labcorp
Classification: Uncertain significance. Last evaluated: 2024-04-22. Review status: criteria provided, single submitter. Criteria: Invitae Variant Classification Sherloc (09022015). Collection method: clinical testing. Allele origin: germline.
Comment: This sequence change replaces arginine, which is basic and polar, with histidine, which is basic and polar, at codon 3386 of the VCAN protein (p.Arg3386His). This variant is present in population databases (rs370521277, gnomAD 0.003%). This variant has not been reported in the literature in individuals affected with VCAN-related conditions. ClinVar contains an entry for this variant (Variation ID: 1474021). An algorithm developed to predict the effect of missense changes on protein structure and function (PolyPhen-2) suggests that this variant is likely to be disruptive. In summary, the available evidence is currently insufficient to determine the role of this variant in disease. Therefore, it has been classified as a Variant of Uncertain Significance.

Ambry Genetics
Classification: Uncertain significance for Inborn genetic diseases. Last evaluated: 2023-06-22. Review status: criteria provided, single submitter. Criteria: Ambry Variant Classification Scheme 2023. Collection method: clinical testing. Allele origin: germline.

Fulgent Genetics
Classification: Uncertain significance for Wagner disease. Last evaluated: 2021-08-11. Review status: criteria provided, single submitter. Criteria: ACMG Guidelines, 2015. Collection method: clinical testing. Allele origin: unknown.

Blueprint Genetics
Classification: Uncertain significance. Last evaluated: 2021-05-27. Review status: criteria provided, single submitter. Criteria: ACMG Guidelines, 2015. Collection method: clinical testing. Allele origin: germline.